The following is an entry in ClinVar:

NM_022041.4(GAN):c.484C>T (p.Arg162Ter)

Gene: GAN (gigaxonin; plus strand). Cytogenetic location: 16q23.2.
Variant type: single nucleotide variant.
Coding change: c.484C>T on transcript NM_022041.4 (MANE Select); coding-DNA position 484, C replaced by T.
Protein change: p.Arg162Ter; replaces arginine 162 with a stop codon.
Molecular consequence: nonsense. On other transcripts: 5 prime UTR variant (1).
Genome position (GRCh38, 1-based): chr16:81,354,606, C>T. VCF-style: chr16-81354606-C-T. GRCh37 (hg19) VCF-style: chr16-81388211-C-T.
Other names: c.-156C>T (NM_001377486.1); short protein forms R162*.
Identifiers: ClinVar variation 637530 (VCV000637530.9), dbSNP rs1300267158, ClinGen allele CA396868583.
Genomic context (GRCh38, chr16:81,354,606, plus strand): 5'-CTACATTACTGCCTCCATCACGTTCATTACCTTGCCACAGAATACCTGGAGACTCATTTC[C>T]GAGACGTCAGCAGCACGGAAGAATTCTTAGAGCTGAGTCCTCAAAAGCTTAAAGAAGTGA-3'

ClinVar aggregate classification (germline): Pathogenic. Review status: criteria provided, single submitter (1 of 4 stars). 3 submissions from 3 submitters: Pathogenic (1). 2 of the submissions do not count toward it. Last evaluated 2024-07-04.

Conditions:
Giant axonal neuropathy 1 (GAN1). Also called: GIANT AXONAL NEUROPATHY 1, AUTOSOMAL RECESSIVE; GAN-Related Neurodegeneration. Identifiers: Orphanet 643, MedGen C1850386, MONDO:0009749, OMIM 256850.

Allele frequency attached by ClinVar (database versions not stated): TOPMed 0.00001.
gnomAD v4.1: 4 of 1,614,000 alleles (0.00025%); highest among the groups gnomAD compares: South Asian, 0.0011%; no homozygotes.

Submissions (3):

Labcorp Genetics (formerly Invitae), Labcorp
Classification: Pathogenic for Giant axonal neuropathy 1. Last evaluated: 2024-07-04. Review status: criteria provided, single submitter. Criteria: Invitae Variant Classification Sherloc (09022015). Collection method: clinical testing. Allele origin: germline.
Comment: This sequence change creates a premature translational stop signal (p.Arg162*) in the GAN gene. It is expected to result in an absent or disrupted protein product. Loss-of-function variants in GAN are known to be pathogenic (PMID: 12655563, 14718689, 23890932). This variant is not present in population databases (gnomAD no frequency). This premature translational stop signal has been observed in individuals with giant axonal neuropathy (PMID: 21356581, 30532362). ClinVar contains an entry for this variant (Variation ID: 637530). For these reasons, this variant has been classified as Pathogenic.

Inherited Neuropathy Consortium Ii, University Of Miami
Classification: Uncertain significance for Giant axonal neuropathy 1. Last evaluated: 2016-01-06. Review status: no assertion criteria provided. Collection method: literature only. Allele origin: germline. Affected: yes. Not counted in ClinVar's aggregate classification.

Inherited Neuropathy Consortium
Classification: Uncertain significance for Giant axonal neuropathy. Review status: no assertion criteria provided. Collection method: literature only. Allele origin: germline. Affected: yes. Not counted in ClinVar's aggregate classification.

Literature cited by the submitters: PubMed 12655563 (cited by Labcorp Genetics (formerly Invitae), Labcorp); PubMed 14718689 (cited by Labcorp Genetics (formerly Invitae), Labcorp); PubMed 23890932 (cited by Labcorp Genetics (formerly Invitae), Labcorp); PubMed 21356581 (cited by 3 submitters); PubMed 30532362 (cited by Labcorp Genetics (formerly Invitae), Labcorp).